The following is an entry in ClinVar:

NM_005592.4(MUSK):c.754-2A>G

Gene: MUSK (muscle associated receptor tyrosine kinase; plus strand). Cytogenetic location: 9q31.3.
Variant type: single nucleotide variant.
Coding change: c.754-2A>G on transcript NM_005592.4 (MANE Select); the canonical splice acceptor site of the intron before coding-DNA position 754, A replaced by G.
Molecular consequence: splice acceptor variant.
Genome position (GRCh38, 1-based): chr9:110,747,639, A>G. VCF-style: chr9-110747639-A-G. GRCh37 (hg19) VCF-style: chr9-113509919-A-G.
Other names: c.784-2A>G (NM_001166280.2); c.754-2A>G (NM_001166281.2); c.-483-2A>G (NM_001369398.1).
Identifiers: ClinVar variation 664968 (VCV000664968.7), dbSNP rs1587986079, ClinGen allele CA374668077.

ClinVar aggregate classification (germline): Likely pathogenic (1 of 4 stars; one submission).

Conditions:
Fetal akinesia deformation sequence 1 (FADS1). Also called: Pena-Shokeir syndrome type I; Fetal akinesia sequence. Identifiers: Orphanet 994, MedGen C1276035, MONDO:0100101, OMIM 208150, HP:0001989.
Congenital myasthenic syndrome 9. Also called: Myasthenic syndrome, congenital, 9, associated with acetylcholine receptor deficiency. Identifiers: Orphanet 590, MedGen C4225368, MONDO:0014587, OMIM 616325.

Allele frequency attached by ClinVar (database versions not stated): gnomAD exomes below 0.00001; TOPMed 0.00001.
gnomAD v4.1: 2 of 1,608,896 alleles (0.00012%); highest among the groups gnomAD compares: Admixed American, 0.0017%; no homozygotes.

Submission:

Labcorp Genetics (formerly Invitae), Labcorp
Classification: Likely pathogenic for Congenital myasthenic syndrome 9; Fetal akinesia deformation sequence 1. Last evaluated: 2025-03-06. Review status: criteria provided, single submitter. Criteria: Invitae Variant Classification Sherloc (09022015). Collection method: clinical testing. Allele origin: germline.
Comment: This sequence change affects an acceptor splice site in intron 6 of the MUSK gene. It is expected to disrupt RNA splicing. Variants that disrupt the donor or acceptor splice site typically lead to a loss of protein function (PMID: 16199547), and loss-of-function variants in MUSK are known to be pathogenic (PMID: 8653786, 25612909, 25695962, 25900532). This variant is not present in population databases (gnomAD no frequency). This variant has not been reported in the literature in individuals affected with MUSK-related conditions. ClinVar contains an entry for this variant (Variation ID: 664968). Algorithms developed to predict the effect of sequence changes on RNA splicing suggest that this variant may disrupt the consensus splice site. In summary, the currently available evidence indicates that the variant is pathogenic, but additional data are needed to prove that conclusively. Therefore, this variant has been classified as Likely Pathogenic.

Literature cited by the submitters: PubMed 16199547; PubMed 8653786; PubMed 25612909; PubMed 25695962; PubMed 25900532.